The following is an entry in ClinVar:

NM_014049.5(ACAD9):c.1819G>T (p.Glu607Ter)

Genes: ACAD9 (acyl-CoA dehydrogenase family member 9; plus strand), CFAP92 (cilia and flagella associated protein 92 (putative); minus strand). Cytogenetic location: 3q21.3.
Variant type: single nucleotide variant.
Coding change: c.1819G>T on transcript NM_014049.5 (MANE Select); coding-DNA position 1819, G replaced by T.
Protein change: p.Glu607Ter; replaces glutamic acid 607 with a stop codon.
Molecular consequence: nonsense. On other transcripts: non-coding transcript variant (1), intron variant (3).
Genome position (GRCh38, 1-based): chr3:128,912,560, G>T. VCF-style: chr3-128912560-G-T. GRCh37 (hg19) VCF-style: chr3-128631403-G-T.
Other names: c.1450G>T, p.Glu484Ter (NM_001410805.1); c.2312-2227C>A (NM_001348521.2); c.2408-2227C>A (NM_001348520.2); c.3281-2227C>A (NM_001394090.1); short protein forms E484*, E607*.
Identifiers: ClinVar variation 4064137 (VCV004064137.2).

ClinVar aggregate classification (germline): Likely pathogenic (1 of 4 stars; one submission).

Conditions:
Acyl-CoA dehydrogenase 9 deficiency. Also called: MITOCHONDRIAL COMPLEX I DEFICIENCY, NUCLEAR TYPE 20; Acyl-CoA dehydrogenase family, member 9, deficiency of. Identifiers: Orphanet 99901, MedGen C4747517, MONDO:0012624, OMIM 611126.

Submission:

Natera, Inc.
Classification: Likely pathogenic for ACAD9 deficiency. Last evaluated: 2025-03-01. Review status: criteria provided, single submitter. Criteria: Natera Variant Classification Schema (03/2026). Collection method: clinical testing. Allele origin: germline.
Comment: The c.1819G>T variant in ACAD9 is a nonsense variant predicted to introduce a stop codon at amino acid 607. This variant is expected to result in nonsense mediated decay, truncation, or a dysfunctional protein product. This variant is rare in the general population with a frequency below the threshold expected for the associated phenotype(s). Given the available evidence, this variant is classified as Likely Pathogenic.